The following is an entry in ClinVar:

ClinVar aggregate classification (germline): Uncertain significance (1 of 4 stars; one submission).

Allele frequency attached by ClinVar (database versions not stated): gnomAD exomes 0.00001; ExAC 0.00005.
gnomAD v4.1: 7 of 1,204,627 alleles (0.00058%); highest among the groups gnomAD compares: Non-Finnish European, 0.00078%; no homozygotes.

Submission:

Labcorp Genetics (formerly Invitae), Labcorp
Classification: Uncertain significance. Last evaluated: 2023-01-24. Review status: criteria provided, single submitter. Criteria: Invitae Variant Classification Sherloc (09022015). Collection method: clinical testing. Allele origin: germline.
Comment: This sequence change replaces arginine, which is basic and polar, with tryptophan, which is neutral and slightly polar, at codon 843 of the DRP2 protein (p.Arg843Trp). The frequency data for this variant in the population databases is considered unreliable, as metrics indicate poor data quality at this position in the gnomAD database. This variant has not been reported in the literature in individuals affected with DRP2-related conditions. Advanced modeling of protein sequence and biophysical properties (such as structural, functional, and spatial information, amino acid conservation, physicochemical variation, residue mobility, and thermodynamic stability) performed at Invitae indicates that this missense variant is expected to disrupt DRP2 protein function. In summary, the available evidence is currently insufficient to determine the role of this variant in disease. Therefore, it has been classified as a Variant of Uncertain Significance.

NM_001939.3(DRP2):c.2527C>T (p.Arg843Trp)

Gene: DRP2 (dystrophin related protein 2; plus strand). Cytogenetic location: Xq22.1.
Variant type: single nucleotide variant.
Coding change: c.2527C>T on transcript NM_001939.3 (MANE Select); coding-DNA position 2527, C replaced by T.
Protein change: p.Arg843Trp; replaces arginine 843 with tryptophan.
Molecular consequence: missense variant.
Genome position (GRCh38, 1-based): chrX:101,258,445, C>T. VCF-style: chrX-101258445-C-T. GRCh37 (hg19) VCF-style: chrX-100513434-C-T.
Other names: c.2293C>T, p.Arg765Trp (NM_001171184.2); short protein forms R843W, R765W.
Identifiers: ClinVar variation 2802633 (VCV002802633.3), dbSNP rs754249856, ClinGen allele CA10472484.